The following is an entry in ClinVar:

ClinVar aggregate classification (germline): Likely benign. Review status: criteria provided, multiple submitters, no conflicts (2 of 4 stars). 3 submissions from 3 submitters: Likely benign (3). Last evaluated 2024-10-27.

Conditions:
Cardiovascular phenotype. Identifiers: MedGen CN230736.
Autosomal recessive limb-girdle muscular dystrophy type 2J (LGMDR10). Also called: Limb-girdle muscular dystrophy, type 2J; MUSCULAR DYSTROPHY, LIMB-GIRDLE, AUTOSOMAL RECESSIVE 10. Identifiers: Orphanet 140922, MedGen C1837342, MONDO:0012127, OMIM 608807.
Dilated cardiomyopathy 1G (CMD1G). Identifiers: Orphanet 154, MedGen C1858763, MONDO:0011400, OMIM 604145.

Allele frequency attached by ClinVar (database versions not stated): gnomAD exomes below 0.00001 and 0.00001; TOPMed below 0.00001.
gnomAD v4.1: 21 of 1,613,470 alleles (0.0013%); highest among the groups gnomAD compares: Non-Finnish European, 0.0017%; no homozygotes.

Submissions (3):

Ambry Genetics
Classification: Likely benign for Cardiovascular phenotype. Last evaluated: 2024-10-27. Review status: criteria provided, single submitter. Criteria: Ambry Variant Classification Scheme 2023. Collection method: clinical testing. Allele origin: germline.

Labcorp Genetics (formerly Invitae), Labcorp
Classification: Likely benign for Dilated cardiomyopathy 1G; Autosomal recessive limb-girdle muscular dystrophy type 2J. Last evaluated: 2024-09-25. Review status: criteria provided, single submitter. Criteria: Invitae Variant Classification Sherloc (09022015). Collection method: clinical testing. Allele origin: germline.

GeneDx
Classification: Likely benign. Last evaluated: 2018-03-22. Review status: criteria provided, single submitter. Criteria: GeneDx Variant Classification (06012015). Collection method: clinical testing. Allele origin: germline. Affected: yes.
Comment: This variant is considered likely benign or benign based on one or more of the following criteria: it is a conservative change, it occurs at a poorly conserved position in the protein, it is predicted to be benign by multiple in silico algorithms, and/or has population frequency not consistent with disease.

NM_001267550.2(TTN):c.60120A>G (p.Leu20040=)

Genes: TTN-AS1 (TTN antisense RNA 1; plus strand), TTN (titin; minus strand), LOC126806424 (CDK7 strongly-dependent group 2 enhancer GRCh37_chr2:179456337-179457536; plus strand). Cytogenetic location: 2q31.2.
Variant type: single nucleotide variant.
Coding change: c.60120A>G on transcript NM_001267550.2 (MANE Select); coding-DNA position 60120, A replaced by G.
Protein change: p.Leu20040=; no amino-acid change (leucine 20040 retained).
Molecular consequence: synonymous variant.
Genome position (GRCh38, 1-based): chr2:178,591,699, T>C on the plus strand (A>G on the coding strand, the complement: TTN is on the minus strand). VCF-style: chr2-178591699-T-C. GRCh37 (hg19) VCF-style: chr2-179456426-T-C.
Other names: c.55197A>G, p.Leu18399= (NM_001256850.1); c.32925A>G, p.Leu10975= (NM_003319.4); c.52416A>G, p.Leu17472= (NM_133378.4); c.33300A>G, p.Leu11100= (NM_133432.3); c.33501A>G, p.Leu11167= (NM_133437.4).
Identifiers: ClinVar variation 238816 (VCV000238816.14), dbSNP rs878854323, ClinGen allele CA10581855.